The following continues an entry in ClinVar:

NM_000256.3(MYBPC3):c.2432AGA[3] (p.Lys814del)

Gene: MYBPC3. ClinVar aggregate classification (germline): Conflicting classifications of pathogenicity. Likely pathogenic (2); Uncertain significance (15).

Submissions 7 to 12 of 20:

ARUP Laboratories, Molecular Genetics and Genomics, ARUP Laboratories
Classification: Uncertain significance. Last evaluated: 2025-04-09. Review status: criteria provided, single submitter. Criteria: ARUP Molecular Germline Variant Investigation Process 2024. Collection method: clinical testing. Allele origin: germline.
Comment: The MYBPC3 c.2441_2443del; p.Lys814del variant (rs727504288, ClinVar Variation ID: 177700) is reported in the literature in individuals affected with hypertrophic cardiomyopathy (selected references: Bahrudin 2008, Chumakova 2023, Chung 2021, Field 2022, Jaaskelainen 2002, Kim 2020, Micheu 2020, Preveden 2022), in individuals with unexplained non-coronary cardiac arrest (Grondin 2022) and in unaffected individuals (Jaaskelainen 2002). This variant is found in the general population with an overall allele frequency of 0.006% (17/279,948 alleles) in the Genome Aggregation Database (v2.1.1), but is considered a low confidence variant in the database. In vitro functional analyses using a ubiquitin-proteasome system demonstrates that the mutated protein is stable, however this study did not assess protein function (Bahrudin 2008). This variant deletes a single lysine residue leaving the rest of the protein in-frame. Due to limited information, the clinical significance of this variant is uncertain at this time. References: Bahrudin U et al. Ubiquitin-proteasome system impairment caused by a missense cardiac myosin-binding protein C mutation and associated with cardiac dysfunction in hypertrophic cardiomyopathy. J Mol Biol. 2008 Dec 26;384(4):896-907. PMID: 18929575. Chumakova OS et al. Hypertrophic Cardiomyopathy in Underrepresented Populations: Clinical and Genetic Landscape Based on a Russian Single-Center Cohort Study. Genes (Basel). 2023 Nov 4;14(11):2042. PMID: 38002985. Chung H et al. Contribution of sarcomere gene mutations to left atrial function in patients with hypertrophic cardiomyopathy. Cardiovasc Ultrasound. 2021 Jan 6;19(1):4. PMID: 33407484. Field E et al. Cardiac myosin binding protein-C variants in paediatric-onset hypertrophic cardiomyopathy: natural history and clinical outcomes. J Med Genet. 2022 Aug;59(8):768-775. PMID: 34400558. Grondin S et al. Importance of genetic testing in unexplained cardiac arrest. Eur Heart J. 2022 Aug 21;43(32):3071-3081. PMID: 35352813. Jaaskelainen P et al. Mutations in the cardiac myosin-binding protein C gene are the predominant cause of familial hypertrophic cardiomyopathy in eastern Finland. J Mol Med (Berl). 2002 Jul;80(7):412-22. PMID: 12110947. Kim HY et al. Genotype-Related Clinical Characteristics and Myocardial Fibrosis and their Association with Prognosis in Hypertrophic Cardiomyopathy. J Clin Med. 2020 Jun 1;9(6):1671. PMID: 32492895. Micheu MM et al. Yield of Rare Variants Detected by Targeted Next-Generation Sequencing in a Cohort of Romanian Index Patients with Hypertrophic Cardiomyopathy. Diagnostics (Basel). 2020 Dec 7;10(12):1061. PMID: 33297573. Preveden A et al. Gender Related Differences in the Clinical Presentation of Hypertrophic Cardiomyopathy-An Analysis from the SILICOFCM Database. Medicina (Kaunas). 2022 Feb 18;58(2):314. PMID: 35208637.

Ambry Genetics
Classification: Uncertain significance for Cardiovascular phenotype. Last evaluated: 2025-04-07. Review status: criteria provided, single submitter. Criteria: Ambry Variant Classification Scheme 2023. Collection method: clinical testing. Allele origin: germline.
Comment: The c.2441_2443delAGA variant (also known as p.K814del) is located in coding exon 25 of the MYBPC3 gene. This variant results from an in-frame AGA deletion at nucleotide positions 2441 to 2443. This results in the in-frame deletion of a lysine at codon 814, removing one of the lysines in a four-lysine tract. This variant has been reported in individuals with pediatric onset hypertrophic cardiomyopathy (Maron BJ et al. Am J Cardiol, 2015 Feb;115:402-4; Rupp S et al. Clin Res Cardiol, 2019 Mar;108:282-289). This alteration (also reported as p.K811del) has been detected in a number of hypertrophic cardiomyopathy cohorts as well as a dilated cardiomyopathy cohort, but clinical details were frequently limited and some probands also had alterations in other cardiac-related genes (e.g., Van Driest SL et al. J. Am. Coll. Cardiol. 2004;44:1903-10; Cardim N et al. Rev Port Cardiol. 2005;24:1463-76; Song L et al. Clin. Chim. Acta. 2005;351:209-16; Zeller R et al. J. Mol. Med. 2006;84:682-91; Ehlermann P et al. BMC Med. Genet. 2008;9:95; Miller EM et al. J Genet Couns. 2013;22:258-67; Berge KE et al. Clin. Genet. 2014;86:355-60; J&auml;&auml;skel&auml;inen P et al. Ann. Med. 2014;46:424-9; Akinrinade O et al. Eur. Heart J. 2015;36:2327-37; Mademont-Soler I et al. PLoS ONE. 2017;12:e0181465; Field E et al. J Med Genet. 2022 Aug;59(8):768-775; Ambry internal data). In one study, this alteration did not affect MYBPC3 protein stability; however, protein function was not tested (Bahrudin U et al. J. Mol. Biol. 2008;384:896-907). This amino acid position is well conserved in available vertebrate species. In addition, this alteration is predicted to be deleterious by in silico analysis (Choi Y et al., PLoS ONE. 2012; 7(10):e46688). Since supporting evidence is limited at this time, the clinical significance of this alteration remains unclear.

Molecular Diagnostic Laboratory for Inherited Cardiovascular Disease, Montreal Heart Institute
Classification: Likely pathogenic for Cardiovascular phenotype. Last evaluated: 2024-10-25. Review status: criteria provided, single submitter. Criteria: ACMG Guidelines, 2015. Collection method: clinical testing. Allele origin: germline. Affected: yes.
Comment: PS4, PM2, PM4

Blueprint Genetics
Classification: Uncertain significance. Last evaluated: 2024-08-16. Review status: criteria provided, single submitter. Criteria: ACMG Guidelines, 2015. Collection method: clinical testing. Allele origin: germline.

Women's Health and Genetics/Laboratory Corporation of America, LabCorp
Classification: Uncertain significance. Last evaluated: 2023-11-27. Review status: criteria provided, single submitter. Criteria: LabCorp Variant Classification Summary - May 2015. Collection method: clinical testing. Allele origin: germline.
Comment: Variant summary: MYBPC3 c.2441_2443delAGA (p.Lys814del) results in an in-frame deletion that is predicted to remove one amino acid from the fibronectin type III domain (IPR003961) of the encoded protein. The variant allele was found at a frequency of 3.7e-05 in 1614122 control chromosomes. This frequency is not significantly higher than estimated for a pathogenic variant in MYBPC3 causing Cardiomyopathy (3.7e-05 vs 0.001), allowing no conclusion about variant significance. c.2441_2443delAGA has been reported in the literature in multiple individuals affected with Hypertrophic Cardiomyopathy without strong evidence for causality, and has been reported in several unaffected relatives (e.g. Jaaskelainen_2002, Micheu_2019). This variant has also been reported in one individual with Dilated Cardiomyopathy (Akinrinade_2015) and in a cohort of individuals with unspecified Cardiomyopathies (Stava_2023). These reports do not allow any conclusions about variant significance. At least one publication reports experimental evidence evaluating an impact on protein function. These results showed no damaging effect of this variant on mRNA or protein expression, or 20S proteasome activity in vitro (Bahrudin_2008). The following publications have been ascertained in the context of this evaluation (PMID: 26084686, 15114369, 18929575, 24111713, 16566405, 32380161, 18957093, 34400558, 24888384, 12110947, 24093860, 23054336, 31513939, 15563892, 35653365, 15519027, 23674513, 16715312, DOI: 10.25083/rbl/24.1/91.99). Twelve submitters have cited clinical-significance assessments for this variant to ClinVar after 2014. Ten submitters classified the variant as uncertain significance and two classified it as likely pathogenic. Based on the evidence outlined above, the variant was classified as uncertain significance.

Victorian Clinical Genetics Services, Murdoch Childrens Research Institute
Classification: Uncertain significance for Hypertrophic cardiomyopathy 4. Last evaluated: 2023-07-16. Review status: criteria provided, single submitter. Criteria: ACMG Guidelines, 2015. Collection method: clinical testing. Allele origin: germline. Inheritance: Autosomal dominant inheritance. Affected: yes.
Comment: Based on the classification scheme VCGS_Germline_v1.3.4, this variant is classified as a VUS-3B. Following criteria are met: 0102 - Loss of function is a known mechanism of disease in this gene and is associated with hypertrophic cardiomyopathy 4 (HCM; MIM#115197). (I) 0108 - This gene is associated with both recessive and dominant disease. Dominant inheritance is frequently reported in adult onset conditions, however recessive inheritance results in a more severe early onset phenotype (OMIM). (I) 0115 - Variants in this gene are known to have variable expressivity (PMID: 32841044). (I) 0216 - In-frame deletion in a non-repetitive region that has low conservation. (SP) 0251 - This variant is heterozygous. (I) 0304 - Variant is present in gnomAD <0.01 (v2 & v3: 20 heterozygotes, 0 homozygotes). (SP) 0600 - Variant is located in the annotated fibronectin 3 domain (NCBI). (I) 0705 - No comparable in-frame deletion variants have previous evidence for pathogenicity. (I) 0808 - Previous reports of pathogenicity for this variant are conflicting. The variant has been reported as likely pathogenic and VUS in multiple individuals with HCM (ClinVar, DECIPHER, cardiodb, VCGS, PMIDs: 31513939, 32492895). It has also been reported as likely pathogenic in a DCM patient (PMID: 26084686). (I) 1010 - Functional evidence for this variant is inconclusive. Functional studies showed the level of protein in COS-7 cells with this variant was similar to wild-type (PMID: 18929575). (I) 1208 - Inheritance information for this variant is not currently available in this individual. (I) Legend: (SP) - Supporting pathogenic, (I) - Information, (SB) - Supporting benign